The following is an entry in ClinVar:

NM_000186.4(CFH):c.1336+892A>G

Gene: CFH (complement factor H; plus strand). Cytogenetic location: 1q31.3.
Variant type: single nucleotide variant.
Coding change: c.1336+892A>G on transcript NM_000186.4 (MANE Select); 892 bases into the intron after coding-DNA position 1336, A replaced by G.
Molecular consequence: intron variant.
Genome position (GRCh38, 1-based): chr1:196,691,131, A>G. VCF-style: chr1-196691131-A-G. GRCh37 (hg19) VCF-style: chr1-196660261-A-G.
Other names: c.1336+892A>G (NM_001014975.3).
Identifiers: ClinVar variation 4291382 (VCV004291382.1).
Genomic context (GRCh38, chr1:196,691,131, plus strand): 5'-CCTTTCATTAAAAGGAAAAACCTTATCAAGGACTGCTGTACCCTCATTATCTGCCTAAAC[A>G]ATTTTTTCTCAACTCCTATATCAATATTAATATGTACATTGGAATCAATCATTTGACTCA-3'

ClinVar aggregate classification (germline): Benign (1 of 4 stars; one submission).

Conditions:
Atypical hemolytic-uremic syndrome. Identifiers: Orphanet 2134, MedGen C2931788, MONDO:0016244.
Basal laminar drusen. Also called: DRUSEN OF BRUCH MEMBRANE; DRUSEN, CUTICULAR; DRUSEN, EARLY ADULT-ONSET, GROUPED. Identifiers: Orphanet 75376, MedGen C0730295, MONDO:0007472, OMIM 126700.
Factor H deficiency (CFHD). Also called: COMPLEMENT FACTOR H DEFICIENCY; CFH DEFICIENCY. Identifiers: Orphanet 200421, MedGen C0398777, MONDO:0012350, OMIM 609814.
Age related macular degeneration 4. Identifiers: MedGen C1853147, MONDO:0012540, OMIM 610698.

gnomAD v4.1: 97,846 of 151,876 alleles (64%); highest among the groups gnomAD compares: East Asian, 95%; 31,974 homozygotes.

Submission:

Genomenon, Inc
Classification: Benign for Basal laminar drusen; Age related macular degeneration 4; Atypical hemolytic-uremic syndrome; Factor H deficiency. Last evaluated: 2025-10-02. Review status: criteria provided, single submitter. Criteria: Genomenon Sequence Variant Interpretation Standards - Updated. Collection method: curation. Allele origin: germline. Affected: no.
Comment: CFH c.1336+892A>G is a deep intronic variant located in intron 9. This variant is present at high allele frequency in population databases. In conclusion, we classify CFH c.1336+892A>G as a benign variant.